The following is an entry in ClinVar:

NM_001367624.2(ZNF469):c.7846C>T (p.Arg2616Cys)

Gene: ZNF469 (zinc finger protein 469; plus strand). Cytogenetic location: 16q24.2.
Variant type: single nucleotide variant.
Coding change: c.7846C>T on transcript NM_001367624.2 (MANE Select); coding-DNA position 7846, C replaced by T.
Protein change: p.Arg2616Cys; replaces arginine 2616 with cysteine.
Molecular consequence: missense variant.
Genome position (GRCh38, 1-based): chr16:88,435,316, C>T. VCF-style: chr16-88435316-C-T. GRCh37 (hg19) VCF-style: chr16-88501724-C-T.
Other names: NM_001127464.1:c.7762C>T; p.Arg2616Cys; short protein forms R2616C.
Identifiers: ClinVar variation 1306924 (VCV001306924.4), dbSNP rs1315180615, ClinGen allele CA397115083.

ClinVar aggregate classification (germline): Conflicting classifications of pathogenicity. Review status: criteria provided, conflicting classifications (1 of 4 stars). 3 submissions from 3 submitters: Uncertain significance (2); Likely benign (1). Last evaluated 2024-03-28.

Conditions:
Cardiovascular phenotype. Identifiers: MedGen CN230736.

Allele frequency attached by ClinVar (database versions not stated): gnomAD exomes below 0.00001; gnomAD 0.00002; TOPMed 0.00002.
gnomAD v4.1: 9 of 1,550,130 alleles (0.00058%); highest among the groups gnomAD compares: African/African-American, 0.0027%; no homozygotes.

Submissions (3):

Ambry Genetics
Classification: Likely benign for Cardiovascular phenotype. Last evaluated: 2024-03-28. Review status: criteria provided, single submitter. Criteria: Ambry Variant Classification Scheme 2023. Collection method: clinical testing. Allele origin: germline.

Mayo Clinic Laboratories, Mayo Clinic
Classification: Uncertain significance. Last evaluated: 2024-02-22. Review status: criteria provided, single submitter. Criteria: ACMG Guidelines, 2015. Collection method: clinical testing. Allele origin: germline. Observed: 1 variant allele.
Comment: BP4, PM2

GeneDx
Classification: Uncertain significance. Last evaluated: 2019-02-27. Review status: criteria provided, single submitter. Criteria: GeneDx Variant Classification Process June 2021. Collection method: clinical testing. Allele origin: germline. Affected: yes.
Comment: Not observed at a significant frequency in large population cohorts (Lek et al., 2016); In silico analysis, which includes protein predictors and evolutionary conservation, supports that this variant does not alter protein structure/function; Has not been previously published as pathogenic or benign to our knowledge